The following is an entry in ClinVar:

NM_080680.3(COL11A2):c.1343C>T (p.Thr448Ile)

Gene: COL11A2 (collagen type XI alpha 2 chain; minus strand). Cytogenetic location: 6p21.32.
Variant type: single nucleotide variant.
Coding change: c.1343C>T on transcript NM_080680.3 (MANE Select); coding-DNA position 1343, C replaced by T.
Protein change: p.Thr448Ile; replaces threonine 448 with isoleucine.
Molecular consequence: missense variant.
Genome position (GRCh38, 1-based): chr6:33,180,274, G>A on the plus strand (C>T on the coding strand, the complement: COL11A2 is on the minus strand). VCF-style: chr6-33180274-G-A. GRCh37 (hg19) VCF-style: chr6-33148051-G-A.
Other names: c.1022C>T, p.Thr341Ile (NM_080679.3); c.1085C>T, p.Thr362Ile (NM_080681.3); short protein forms T362I, T448I, T341I.
Identifiers: ClinVar variation 2140693 (VCV002140693.4), dbSNP rs1487152821, ClinGen allele CA363606148.

ClinVar aggregate classification (germline): Uncertain significance (1 of 4 stars; one submission).

Allele frequency attached by ClinVar (database versions not stated): gnomAD 0.00001; TOPMed 0.00001; gnomAD exomes below 0.00001.
gnomAD v4.1: 2 of 1,612,926 alleles (0.00012%); highest among the groups gnomAD compares: Non-Finnish European, 0.00017%; no homozygotes.

Submission:

Labcorp Genetics (formerly Invitae), Labcorp
Classification: Uncertain significance. Last evaluated: 2026-02-01. Review status: criteria provided, single submitter. Criteria: Invitae Variant Classification Sherloc (09022015). Collection method: clinical testing. Allele origin: germline.
Comment: This sequence change replaces threonine, which is neutral and polar, with isoleucine, which is neutral and non-polar, at codon 448 of the COL11A2 protein (p.Thr448Ile). This variant is not present in population databases (gnomAD no frequency). This variant has not been reported in the literature in individuals affected with COL11A2-related conditions. ClinVar contains an entry for this variant (Variation ID: 2140693). Invitae Evidence Modeling of protein sequence and biophysical properties (such as structural, functional, and spatial information, amino acid conservation, physicochemical variation, residue mobility, and thermodynamic stability) indicates that this missense variant is not expected to disrupt COL11A2 protein function with a negative predictive value of 95%. In summary, the available evidence is currently insufficient to determine the role of this variant in disease. Therefore, it has been classified as a Variant of Uncertain Significance.